The following is an entry in ClinVar:

NM_001005180.3(OR56B1):c.222C>T (p.Ile74=)

Genes: OR52N4 (olfactory receptor family 52 subfamily N member 4; plus strand), OR56B1 (olfactory receptor family 56 subfamily B member 1; plus strand). Cytogenetic location: 11p15.4.
Variant type: single nucleotide variant.
Coding change: c.222C>T on transcript NM_001005180.3 (MANE Select); coding-DNA position 222, C replaced by T.
Protein change: p.Ile74=; no amino-acid change (isoleucine 74 retained).
Molecular consequence: synonymous variant.
Genome position (GRCh38, 1-based): chr11:5,736,738, C>T. VCF-style: chr11-5736738-C-T. GRCh37 (hg19) VCF-style: chr11-5757968-C-T.
Identifiers: ClinVar variation 3341680 (VCV003341680.16).

ClinVar aggregate classification (germline): Likely benign (1 of 4 stars; one submission).

gnomAD v4.1: 127 of 1,613,886 alleles (0.0079%); highest among the groups gnomAD compares: Non-Finnish European, 0.01%; no homozygotes.

Submission:

CeGaT Center for Human Genetics Tuebingen
Classification: Likely benign. Last evaluated: 2024-07-01. Review status: criteria provided, single submitter. Criteria: CeGaT Center For Human Genetics Tuebingen Variant Classification Criteria Version 2. Collection method: clinical testing. Allele origin: germline. Affected: yes. Observed: 1 variant allele.
Comment: OR56B1: BP4, BP7